The following is an entry in ClinVar:

NC_000019.9:g.(?_50919643)_(50921204_?)dup

Gene: POLD1 (DNA polymerase delta 1, catalytic subunit; plus strand). Cytogenetic location: 19q13.33.
Variant type: Duplication.
Identifiers: ClinVar variation 1474008 (VCV001474008.5).

ClinVar aggregate classification (germline): Uncertain significance (1 of 4 stars; one submission).

Conditions:
POLD1-related polyposis and colorectal cancer syndrome (CRCS10). Also called: Colorectal cancer 10; COLORECTAL CANCER, SUSCEPTIBILITY TO, ON CHROMOSOME 19q; Colorectal cancer, susceptibility to, 10. Identifiers: Orphanet 220460, MedGen C2675481, MONDO:0012953, OMIM 612591.

Submission:

Labcorp Genetics (formerly Invitae), Labcorp
Classification: Uncertain significance for POLD1-related polyposis and colorectal cancer syndrome. Last evaluated: 2022-01-27. Review status: criteria provided, single submitter. Criteria: Invitae Variant Classification Sherloc (09022015). Collection method: clinical testing. Allele origin: germline.
Comment: This variant results in a copy number gain of the genomic region encompassing exon(s) 23-27 of the POLD1 gene. This region includes the termination codon of the gene. This copy number gain extends beyond the assayed region for this gene and therefore may encompass additional genes. As the precise location of this event is unknown, it may be in tandem or it may be located elsewhere in the genome. In summary, the available evidence is currently insufficient to determine the role of this variant in disease. Therefore, it has been classified as a Variant of Uncertain Significance. This variant has not been reported in the literature in individuals affected with POLD1-related conditions.